The following is an entry in ClinVar:

ClinVar aggregate classification (germline): Conflicting classifications of pathogenicity. Review status: criteria provided, conflicting classifications (1 of 4 stars). 14 submissions from 13 submitters: Uncertain significance (2); Benign (2); Likely benign (6). 4 of the submissions do not count toward it. Last evaluated 2026-09-15.

Conditions:
USH2A-related disorder. Also called: USH2A-related condition; USH2A-related disorders. Identifiers: MedGen CN239332.
Usher syndrome. Also called: Usher Syndromes; Usher's syndrome. Identifiers: Orphanet 886, MedGen CN469326, MeSH D052245, MONDO:0019501. Disease mechanism: loss of function.
Retinitis pigmentosa (RP). Identifiers: Orphanet 791, MedGen C0035334, MeSH D012174, MONDO:0019200, OMIM 268000. Inheritance: Autosomal dominant, autosomal recessive and X linked inheritance.
Usher syndrome type 2A. Also called: USHER SYNDROME, TYPE IIA; RETINAL DISEASE IN USHER SYNDROME TYPE IIA, MODIFIER OF. Identifiers: Orphanet 231178, Orphanet 886, MedGen C1848634, MONDO:0010169, OMIM 276901.

Allele frequency attached by ClinVar (database versions not stated): gnomAD exomes 0.00019 and 0.00049; ExAC 0.00064; gnomAD 0.00201 and 0.00216; TOPMed 0.00220; ESP Exome Variant Server 0.00238; 1000 Genomes Project 0.00260; 1000 Genomes Project 30x 0.00265.
gnomAD v4.1: 598 of 1,613,854 alleles (0.037%); highest among the groups gnomAD compares: African/African-American, 0.69%; 2 homozygotes.

Submissions (14):

PreventionGenetics, part of Exact Sciences
Classification: Benign for USH2A-related condition. Last evaluated: 2026-09-15. Review status: criteria provided, single submitter. Criteria: ACMG Guidelines, 2015. Collection method: clinical testing. Allele origin: germline.
Comment: This variant is classified as benign based on ACMG/AMP sequence variant interpretation guidelines (Richards et al. 2015 PMID: 25741868, with internal and published modifications).

CeGaT Center for Human Genetics Tuebingen
Classification: Likely benign. Last evaluated: 2026-03-01. Review status: criteria provided, single submitter. Criteria: CeGaT Center For Human Genetics Tuebingen Variant Classification Criteria Version 2. Collection method: clinical testing. Allele origin: germline. Affected: yes. Observed: 2 variant alleles.
Comment: USH2A: BS2

Labcorp Genetics (formerly Invitae), Labcorp
Classification: Likely benign. Last evaluated: 2026-01-28. Review status: criteria provided, single submitter. Criteria: Invitae Variant Classification Sherloc (09022015). Collection method: clinical testing. Allele origin: germline.

Women's Health and Genetics/Laboratory Corporation of America, LabCorp
Classification: Uncertain significance. Last evaluated: 2024-11-20. Review status: criteria provided, single submitter. Criteria: LabCorp Variant Classification Summary - May 2015. Collection method: clinical testing. Allele origin: germline.
Comment: Variant summary: USH2A c.3395G>A (p.Gly1132Asp) results in a non-conservative amino acid change located in the Fibronectin type 3 domain (IPR003961) of the encoded protein sequence. Five of five in-silico tools predict a damaging effect of the variant on protein function. The variant allele was found at a frequency of 0.00049 in 251128 control chromosomes. This frequency is not significantly higher than estimated for a pathogenic variant in USH2A causing Usher Syndrome (0.00049 vs 0.011), allowing no conclusion about variant significance. c.3395G>A has been reported in the literature in a compound heterozygous individual affected with Usher Syndrome (Vozzi_2011, Wang_2014). These data do not allow any conclusion about variant significance. To our knowledge, no experimental evidence demonstrating an impact on protein function has been reported. The following publications have been ascertained in the context of this evaluation (PMID: 21738395, 25097241). ClinVar contains an entry for this variant (Variation ID: 166511). Based on the evidence outlined above, the variant was classified as uncertain significance.

Blueprint Genetics
Classification: Likely benign. Last evaluated: 2024-06-17. Review status: criteria provided, single submitter. Criteria: ACMG Guidelines, 2015. Collection method: clinical testing. Allele origin: germline.

GeneDx
Classification: Likely benign. Last evaluated: 2021-04-21. Review status: criteria provided, single submitter. Criteria: GeneDx Variant Classification Process June 2021. Collection method: clinical testing. Allele origin: germline. Affected: yes.
Comment: This variant is associated with the following publications: (PMID: 28704108, 30245029, 28041643, 26969326, 21738395, 25097241, 25262649)

Eurofins Ntd Llc (ga)
Classification: Likely benign. Last evaluated: 2017-11-07. Review status: criteria provided, single submitter. Criteria: EGL Classification Definitions 2015. Collection method: clinical testing. Allele origin: germline. Observed: 2 variant alleles, 2 heterozygotes.

Illumina Laboratory Services, Illumina
Classification: Uncertain significance for Retinitis pigmentosa. Last evaluated: 2017-04-27. Review status: criteria provided, single submitter. Criteria: ICSL Variant Classification Criteria 13 December 2019. Collection method: clinical testing. Allele origin: germline.

Illumina Laboratory Services, Illumina
Classification: Likely benign for Usher syndrome type 2A. Last evaluated: 2017-04-27. Review status: criteria provided, single submitter. Criteria: ICSL Variant Classification Criteria 13 December 2019. Collection method: clinical testing. Allele origin: germline.
Comment: This variant was observed as part of a predisposition screen in an ostensibly healthy population. A literature search was performed for the gene, cDNA change, and amino acid change (where applicable). Publications were found based on this search. The evidence from the literature, in combination with allele frequency data from public databases where available, was sufficient to determine this variant is unlikely to cause disease. Therefore, this variant is classified as likely benign.

Laboratory for Molecular Medicine, Mass General Brigham Personalized Medicine
Classification: Benign. Last evaluated: 2012-05-07. Review status: criteria provided, single submitter. Criteria: LMM Criteria. Collection method: clinical testing. Allele origin: germline. Observed: 4 variant alleles.
Comment: Gly1132Asp in Exon 17 of USH2A: This variant is not expected to have clinical si gnificance because it has been identified in 0.7% (27/3738) of African American chromosomes from a broad population by the NHLBI Exome Sequencing Project (dbSNP rs34596189).

Natera, Inc.
Classification: Likely benign for Usher syndrome type 2A. Last evaluated: 2020-05-03. Review status: no assertion criteria provided. Collection method: clinical testing. Allele origin: germline. Not counted in ClinVar's aggregate classification.

NIHR Bioresource Rare Diseases, University of Cambridge
Classification: Uncertain significance for Usher syndrome, type 2D. Last evaluated: 2015-01-01. Review status: no assertion criteria provided. Collection method: research. Allele origin: unknown. Affected: yes. Observed: 1 variant allele. Not counted in ClinVar's aggregate classification.

Clinical Genetics DNA and cytogenetics Diagnostics Lab, Erasmus MC, Erasmus Medical Center
Classification: Uncertain significance. Review status: no assertion criteria provided. Collection method: clinical testing. Allele origin: germline. Affected: yes. Study: VKGL Data-share Consensus. Not counted in ClinVar's aggregate classification.

Joint Genome Diagnostic Labs from Nijmegen and Maastricht, Radboudumc and MUMC+
Classification: Uncertain significance. Review status: no assertion criteria provided. Collection method: clinical testing. Allele origin: germline. Affected: yes. Study: VKGL Data-share Consensus. Not counted in ClinVar's aggregate classification.

Literature cited by the submitters: PubMed 26969326 (cited by Women's Health and Genetics/Laboratory Corporation of America, LabCorp); PubMed 25097241 (cited by Women's Health and Genetics/Laboratory Corporation of America, LabCorp); PubMed 21738395 (cited by 3 submitters); PubMed 28041643 (cited by NIHR Bioresource Rare Diseases, University of Cambridge).

NM_206933.4(USH2A):c.3395G>A (p.Gly1132Asp)

Genes: USH2A (usherin; minus strand), USH2A-AS1 (USH2A antisense RNA 1; plus strand). Cytogenetic location: 1q41.
Variant type: single nucleotide variant.
Coding change: c.3395G>A on transcript NM_206933.4 (MANE Select); coding-DNA position 3395, G replaced by A.
Protein change: p.Gly1132Asp; replaces glycine 1132 with aspartic acid.
Molecular consequence: missense variant.
Genome position (GRCh38, 1-based): chr1:216,200,043, C>T on the plus strand (G>A on the coding strand, the complement: USH2A is on the minus strand). VCF-style: chr1-216200043-C-T. GRCh37 (hg19) VCF-style: chr1-216373385-C-T.
Other names: c.3395G>A, p.Gly1132Asp (NM_007123.6); short protein forms G1132D.
Identifiers: ClinVar variation 166511 (VCV000166511.43), dbSNP rs34596189, ClinGen allele CA179576.